The following is an entry in ClinVar:

NM_201384.3(PLEC):c.13042C>T (p.Arg4348Cys)

Gene: PLEC (plectin; minus strand). Cytogenetic location: 8q24.3.
Variant type: single nucleotide variant.
Coding change: c.13042C>T on transcript NM_201384.3 (MANE Select); coding-DNA position 13042, C replaced by T.
Protein change: p.Arg4348Cys; replaces arginine 4348 with cysteine.
Molecular consequence: missense variant.
Genome position (GRCh38, 1-based): chr8:143,916,779, G>A on the plus strand (C>T on the coding strand, the complement: PLEC is on the minus strand). VCF-style: chr8-143916779-G-A. GRCh37 (hg19) VCF-style: chr8-144990947-G-A.
Other names: c.13123C>T, p.Arg4375Cys (NM_000445.5); c.9742C>T, p.Arg3248Cys (NM_001410941.1); c.13000C>T, p.Arg4334Cys (NM_201378.4); c.12976C>T, p.Arg4326Cys (NM_201379.3); c.13453C>T, p.Arg4485Cys (NM_201380.4); c.12946C>T, p.Arg4316Cys (NM_201381.3); c.13042C>T, p.Arg4348Cys (NM_201382.4); c.13054C>T, p.Arg4352Cys (NM_201383.3); and 1 more; short protein forms R3248C, R4375C, R4334C, R4485C, R4316C, R4326C, R4348C, R4352C.
Identifiers: ClinVar variation 1936563 (VCV001936563.6), dbSNP rs781809660, ClinGen allele CA4923920.

ClinVar aggregate classification (germline): Uncertain significance. Review status: criteria provided, multiple submitters, no conflicts (2 of 4 stars). 2 submissions from 2 submitters: Uncertain significance (2). Last evaluated 2025-01-29.

Conditions:
Inborn genetic diseases. Identifiers: MedGen C0950123, MeSH D030342.
Epidermolysis bullosa simplex with nail dystrophy (EBS5D). Identifiers: MedGen C4225309, MONDO:0014661, OMIM 616487.
Epidermolysis bullosa simplex 5B, with muscular dystrophy (EBS5B). Also called: Epidermolysis bullosa simplex with muscular dystrophy; EPIDERMOLYSIS BULLOSA SIMPLEX AND LIMB-GIRDLE MUSCULAR DYSTROPHY. Identifiers: Orphanet 257, MedGen C2931072, MONDO:0009181, OMIM 226670.
Epidermolysis bullosa simplex, Ogna type (EBS5A). Also called: EPIDERMOLYSIS BULLOSA SIMPLEX 5A, OGNA TYPE; Pidermolysis bullosa simplex 5A, Ogna type. Identifiers: Orphanet 79401, MedGen C0432317, MONDO:0007555, OMIM 131950.
Epidermolysis bullosa simplex 5C, with pyloric atresia (EBS5C). Also called: PLEC-Related Epidermolysis Bullosa with Pyloric Atresia; Epidermolysis bullosa simplex with pyloric atresia; PLEC1-Related Epidermolysis Bullosa with Pyloric Atresia. Identifiers: Orphanet 158684, MedGen C2677349, MONDO:0012807, OMIM 612138.
Autosomal recessive limb-girdle muscular dystrophy type 2Q (LGMDR17). Also called: MUSCULAR DYSTROPHY, LIMB-GIRDLE, AUTOSOMAL RECESSIVE 17. Identifiers: Orphanet 254361, MedGen C3150989, MONDO:0013390, OMIM 613723.

Allele frequency attached by ClinVar (database versions not stated): ExAC 0.00001; gnomAD 0.00001; gnomAD exomes 0.00001; TOPMed 0.00001.
gnomAD v4.1: 22 of 1,613,180 alleles (0.0014%); highest among the groups gnomAD compares: South Asian, 0.0022%; no homozygotes.

Submissions (2):

Ambry Genetics
Classification: Uncertain significance for Inborn genetic diseases. Last evaluated: 2025-01-29. Review status: criteria provided, single submitter. Criteria: Ambry Variant Classification Scheme 2023. Collection method: clinical testing. Allele origin: germline.

Labcorp Genetics (formerly Invitae), Labcorp
Classification: Uncertain significance for Autosomal recessive limb-girdle muscular dystrophy type 2Q; Epidermolysis bullosa simplex, Ogna type; Epidermolysis bullosa simplex with nail dystrophy; Epidermolysis bullosa simplex 5C, with pyloric atresia; Epidermolysis bullosa simplex 5B, with muscular dystrophy. Last evaluated: 2024-02-02. Review status: criteria provided, single submitter. Criteria: Invitae Variant Classification Sherloc (09022015). Collection method: clinical testing. Allele origin: germline.
Comment: This sequence change replaces arginine, which is basic and polar, with cysteine, which is neutral and slightly polar, at codon 4375 of the PLEC protein (p.Arg4375Cys). This variant is present in population databases (rs781809660, gnomAD 0.003%). This variant has not been reported in the literature in individuals affected with PLEC-related conditions. ClinVar contains an entry for this variant (Variation ID: 1936563). Advanced modeling of protein sequence and biophysical properties (such as structural, functional, and spatial information, amino acid conservation, physicochemical variation, residue mobility, and thermodynamic stability) has been performed at Invitae for this missense variant, however the output from this modeling did not meet the statistical confidence thresholds required to predict the impact of this variant on PLEC protein function. In summary, the available evidence is currently insufficient to determine the role of this variant in disease. Therefore, it has been classified as a Variant of Uncertain Significance.